The following is an entry in ClinVar:

ClinVar aggregate classification (germline): Uncertain significance (1 of 4 stars; one submission).

Conditions:
Hereditary cancer-predisposing syndrome. Also called: Neoplastic Syndromes, Hereditary; Tumor predisposition; Hereditary neoplastic syndrome; Hereditary Cancer Syndrome. Identifiers: Orphanet 140162, MedGen C0027672, MeSH D009386, MONDO:0015356.

Submission:

Ambry Genetics
Classification: Uncertain significance for Hereditary cancer-predisposing syndrome. Last evaluated: 2024-01-11. Review status: criteria provided, single submitter. Criteria: Ambry Variant Classification Scheme 2023. Collection method: clinical testing. Allele origin: germline.
Comment: The p.N604I variant (also known as c.1811A>T), located in coding exon 12 of the BRIP1 gene, results from an A to T substitution at nucleotide position 1811. The asparagine at codon 604 is replaced by isoleucine, an amino acid with dissimilar properties. This amino acid position is conserved. In addition, this alteration is predicted to be tolerated by in silico analysis. Since supporting evidence is limited at this time, the clinical significance of this alteration remains unclear.

NM_032043.3(BRIP1):c.1811A>T (p.Asn604Ile)

Gene: BRIP1 (BRCA1 interacting DNA helicase 1; minus strand). Cytogenetic location: 17q23.2.
Variant type: single nucleotide variant.
Coding change: c.1811A>T on transcript NM_032043.3 (MANE Select); coding-DNA position 1811, A replaced by T.
Protein change: p.Asn604Ile; replaces asparagine 604 with isoleucine.
Molecular consequence: missense variant.
Genome position (GRCh38, 1-based): chr17:61,780,385, T>A on the plus strand (A>T on the coding strand, the complement: BRIP1 is on the minus strand). VCF-style: chr17-61780385-T-A. GRCh37 (hg19) VCF-style: chr17-59857746-T-A.
Other names: short protein forms N604I.
Identifiers: ClinVar variation 3228097 (VCV003228097.1), dbSNP rs2145081217, ClinGen allele CA400480197.
Genomic context (GRCh38, chr17:61,780,385, plus strand): 5'-GAAAAGGATTTCATTGGTGATAATGTACCAGATGTCAAAACAATGGTCTGAACTTTGCCA[T>A]TAATATCTGAAAAGGCCTAAAAGAAAACAACATTAGATAAATAAAATTATCTTTAGAAGA-3'
Protein context (NP_114432.2, residues 594-614): LNPAVAFSDI[Asn604Ile]GKVQTIVLTS